The following is an entry in ClinVar:

NM_022136.5(SAMSN1):c.537T>C (p.Tyr179=)

Gene: SAMSN1 (SAM domain, SH3 domain and nuclear localization signals 1; minus strand). Cytogenetic location: 21q11.2.
Variant type: single nucleotide variant.
Coding change: c.537T>C on transcript NM_022136.5 (MANE Select); coding-DNA position 537, T replaced by C.
Protein change: p.Tyr179=; no amino-acid change (tyrosine 179 retained).
Molecular consequence: synonymous variant.
Genome position (GRCh38, 1-based): chr21:14,510,334, A>G on the plus strand (T>C on the coding strand, the complement: SAMSN1 is on the minus strand). VCF-style: chr21-14510334-A-G. GRCh37 (hg19) VCF-style: chr21-15882655-A-G.
Other names: c.741T>C, p.Tyr247= (NM_001256370.2); c.330T>C, p.Tyr110= (NM_001286523.2); c.1425T>C, p.Tyr475= (NM_001395857.1); c.1521T>C, p.Tyr507= (NM_001395858.1).
Identifiers: ClinVar variation 3905671 (VCV003905671.10).

ClinVar aggregate classification (germline): Likely benign (1 of 4 stars; one submission).

gnomAD v4.1: 2 of 1,614,156 alleles (0.00012%); highest among the groups gnomAD compares: Non-Finnish European, 0.00017%; no homozygotes.

Submission:

CeGaT Center for Human Genetics Tuebingen
Classification: Likely benign. Last evaluated: 2025-05-01. Review status: criteria provided, single submitter. Criteria: CeGaT Center For Human Genetics Tuebingen Variant Classification Criteria Version 2. Collection method: clinical testing. Allele origin: germline. Affected: yes. Observed: 1 variant allele.
Comment: SAMSN1: BP4, BP7